The following is an entry in ClinVar:

NM_000051.4(ATM):c.170G>C (p.Trp57Ser)

Gene: ATM (ATM serine/threonine kinase; plus strand). Cytogenetic location: 11q22.3.
Variant type: single nucleotide variant.
Coding change: c.170G>C on transcript NM_000051.4 (MANE Select); coding-DNA position 170, G replaced by C.
Protein change: p.Trp57Ser; replaces tryptophan 57 with serine.
Molecular consequence: missense variant.
Genome position (GRCh38, 1-based): chr11:108,227,873, G>C. VCF-style: chr11-108227873-G-C. GRCh37 (hg19) VCF-style: chr11-108098600-G-C.
Other names: c.170G>C, p.Trp57Ser (NM_001351834.2, NM_001351835.2, NM_001351836.2); short protein forms W57S.
Identifiers: ClinVar variation 3634286 (VCV003634286.2).
Genomic context (GRCh38, chr11:108,227,873, plus strand): 5'-CTGAAACAATTAAACATCTAGATCGGCATTCAGATTCCAAACAAGGAAAATATTTGAATT[G>C]GGATGCTGTTTTTAGGTATTCTATTCAAATTTATTTTACTGTCTTTATTTTTCTCTTTCA-3'
Protein context (NP_000042.3, residues 47-67): SDSKQGKYLN[Trp57Ser]DAVFRFLQKY

ClinVar aggregate classification (germline): Uncertain significance (1 of 4 stars; one submission).

Conditions:
Ataxia-telangiectasia syndrome (AT). Also called: ATAXIA-TELANGIECTASIA, COMPLEMENTATION GROUP A; ATAXIA-TELANGIECTASIA, FRESNO VARIANT; LOUIS-BAR SYNDROME; Cerebello-oculocutaneous telangiectasia; Immunodeficiency with ataxia telangiectasia; Ataxia-telangiectasia, complementation group E. Identifiers: Orphanet 100, MedGen C0004135, MONDO:0008840, OMIM 208900.

Submission:

Labcorp Genetics (formerly Invitae), Labcorp
Classification: Uncertain significance for Ataxia-telangiectasia syndrome. Last evaluated: 2024-02-23. Review status: criteria provided, single submitter. Criteria: Invitae Variant Classification Sherloc (09022015). Collection method: clinical testing. Allele origin: germline.
Comment: This sequence change replaces tryptophan, which is neutral and slightly polar, with serine, which is neutral and polar, at codon 57 of the ATM protein (p.Trp57Ser). This variant is not present in population databases (gnomAD no frequency). This variant has not been reported in the literature in individuals affected with ATM-related conditions. Advanced modeling of protein sequence and biophysical properties (such as structural, functional, and spatial information, amino acid conservation, physicochemical variation, residue mobility, and thermodynamic stability) has been performed at Invitae for this missense variant, however the output from this modeling did not meet the statistical confidence thresholds required to predict the impact of this variant on ATM protein function. In summary, the available evidence is currently insufficient to determine the role of this variant in disease. Therefore, it has been classified as a Variant of Uncertain Significance.